The following is an entry in ClinVar:

NM_001130965.3(SUN1):c.656A>T (p.Lys219Ile)

Gene: SUN1 (Sad1 and UNC84 domain containing 1; plus strand). Cytogenetic location: 7p22.3.
Variant type: single nucleotide variant.
Coding change: c.656A>T on transcript NM_001130965.3 (MANE Select); coding-DNA position 656, A replaced by T.
Protein change: p.Lys219Ile; replaces lysine 219 with isoleucine.
Molecular consequence: missense variant. On other transcripts: 5 prime UTR variant (1), non-coding transcript variant (3), intron variant (1).
Genome position (GRCh38, 1-based): chr7:843,518, A>T. VCF-style: chr7-843518-A-T. GRCh37 (hg19) VCF-style: chr7-883155-A-T.
Other names: c.719A>T, p.Lys240Ile (NM_001171945.2); c.656A>T, p.Lys219Ile (NM_001171946.2, NM_001367633.1, NM_001367634.1 and 32 more transcripts); c.199A>T, p.Asn67Tyr (NM_001367635.1); c.506A>T, p.Lys169Ile (NM_001367636.1, NM_001367644.1, NM_001367645.1 and 23 more transcripts); c.89A>T, p.Lys30Ile (NM_001367639.1, NM_001367708.1); c.875A>T, p.Lys292Ile (NM_001367651.1); c.-106A>T (NM_001367658.1); c.683A>T, p.Lys228Ile (NM_001367669.1); and 2 more; short protein forms K219I, K292I, N67Y, K228I, K240I, K30I, K156I, K169I.
Identifiers: ClinVar variation 461664 (VCV000461664.9), dbSNP rs774555940, ClinGen allele CA152403602.

ClinVar aggregate classification (germline): Uncertain significance (1 of 4 stars; one submission).

Conditions:
Emery-Dreifuss muscular dystrophy (EDMD). Also called: Scapuloperoneal syndrome, X-linked (formerly); Humeroperoneal neuromuscular disease, (formerly). Identifiers: Orphanet 261, MedGen C0410189, MONDO:0016830.

Allele frequency attached by ClinVar (database versions not stated): TOPMed below 0.00001; gnomAD 0.00001.
gnomAD v4.1: 1 of 1,613,854 alleles (0.000062%); highest among the groups gnomAD compares: Non-Finnish European, 0.000085%; no homozygotes.

Submission:

Labcorp Genetics (formerly Invitae), Labcorp
Classification: Uncertain significance for Emery-Dreifuss muscular dystrophy. Last evaluated: 2018-09-11. Review status: criteria provided, single submitter. Criteria: Invitae Variant Classification Sherloc (09022015). Collection method: clinical testing. Allele origin: germline.
Comment: In summary, this variant is a novel missense change with uncertain impact on protein function. It has been classified as a Variant of Uncertain Significance. Algorithms developed to predict the effect of sequence changes on RNA splicing suggest that this variant may alter RNA splicing, but this prediction has not been confirmed by published transcriptional studies. Algorithms developed to predict the effect of missense changes on protein structure and function do not agree on the potential impact of this missense change (SIFT: "Deleterious"; PolyPhen-2: "Probably Damaging"; Align-GVGD: "Class C0"). This variant is not present in population databases (ExAC no frequency) and has not been reported in the literature in individuals with a SUN1-related disease. This sequence change replaces lysine with isoleucine at codon 219 of the SUN1 protein (p.Lys219Ile). The lysine residue is moderately conserved and there is a moderate physicochemical difference between lysine and isoleucine.